The following is an entry in ClinVar:

ClinVar aggregate classification (germline): Benign/Likely benign. Review status: criteria provided, multiple submitters, no conflicts (2 of 4 stars). 4 submissions from 4 submitters: Benign (2); Likely benign (2). Last evaluated 2026-01-06.

Conditions:
Left ventricular noncompaction 1 (LVNC1). Also called: LEFT VENTRICULAR NONCOMPACTION 1 WITH OR WITHOUT CONGENITAL HEART DEFECTS. Identifiers: Orphanet 54260, MedGen C1858725, MONDO:0011403, OMIM 604169.

Allele frequency attached by ClinVar (database versions not stated): 1000 Genomes Project 0.00080; TOPMed 0.00119; 1000 Genomes Project 30x 0.00125; ESP Exome Variant Server 0.00138.
gnomAD v4.1: 368 of 1,613,300 alleles (0.023%); highest among the groups gnomAD compares: African/African-American, 0.45%; 1 homozygote.

Submissions (4):

Labcorp Genetics (formerly Invitae), Labcorp
Classification: Benign for Left ventricular noncompaction 1. Last evaluated: 2026-01-06. Review status: criteria provided, single submitter. Criteria: Invitae Variant Classification Sherloc (09022015). Collection method: clinical testing. Allele origin: germline.

Blueprint Genetics
Classification: Likely benign. Last evaluated: 2024-11-01. Review status: criteria provided, single submitter. Criteria: ACMG Guidelines, 2015. Collection method: clinical testing. Allele origin: germline.

GeneDx
Classification: Benign. Last evaluated: 2015-07-21. Review status: criteria provided, single submitter. Criteria: GeneDx Variant Classification (06012015). Collection method: clinical testing. Allele origin: germline. Affected: yes.
Comment: This variant is considered likely benign or benign based on one or more of the following criteria: it is a conservative change, it occurs at a poorly conserved position in the protein, it is predicted to be benign by multiple in silico algorithms, and/or has population frequency not consistent with disease.

Laboratory for Molecular Medicine, Mass General Brigham Personalized Medicine
Classification: Likely benign. Last evaluated: 2014-09-10. Review status: criteria provided, single submitter. Criteria: LMM Criteria. Collection method: clinical testing. Allele origin: germline. Observed: 1 variant allele.
Comment: 1492-10G>A in intron 16 of DTNA: This variant is not expected to have clinical s ignificance because it has been identified in 0.4% (18/4406) of African American chromosomes from a broad population by the NHLBI Exome Sequencing Project (dbSNP rs192561043).

NM_001386795.1(DTNA):c.1744-10G>A

Gene: DTNA (dystrobrevin alpha; plus strand). Cytogenetic location: 18q12.1.
Variant type: single nucleotide variant.
Coding change: c.1744-10G>A on transcript NM_001386795.1 (MANE Select); 10 bases into the intron before coding-DNA position 1744, G replaced by A.
Molecular consequence: intron variant.
Genome position (GRCh38, 1-based): chr18:34,875,229, G>A. VCF-style: chr18-34875229-G-A. GRCh37 (hg19) VCF-style: chr18-32455193-G-A.
Other names: c.1492-10G>A (NM_032975.4, NM_001386761.1); c.1489-10G>A (NM_001386762.1); c.1573-10G>A (NM_001386754.1, NM_001386755.1, NM_001386757.1 and 3 more transcripts); c.1570-10G>A (NM_001386760.1); c.1483-10G>A (NM_001386763.1, NM_001386764.1, NM_001198940.2 and 5 more transcripts); c.1480-10G>A (NM_001386768.1, NM_001386769.1); c.1504-10G>A (NM_001198939.2); c.1744-10G>A (NM_001386788.1); and 5 more.
Identifiers: ClinVar variation 179014 (VCV000179014.13), dbSNP rs192561043, ClinGen allele CA183506.